The following is an entry in ClinVar:

ClinVar aggregate classification (germline): Benign/Likely benign. Review status: criteria provided, multiple submitters, no conflicts (2 of 4 stars). 4 submissions from 4 submitters: Benign (1); Likely benign (3). Last evaluated 2025-09-10.

Conditions:
Hereditary cancer-predisposing syndrome. Also called: Tumor predisposition; Hereditary neoplastic syndrome; Hereditary Cancer Syndrome; Neoplastic Syndromes, Hereditary. Identifiers: Orphanet 140162, MedGen C0027672, MeSH D009386, MONDO:0015356.
Hereditary diffuse gastric adenocarcinoma (HDGC). Also called: DIFFUSE GASTRIC AND LOBULAR BREAST CANCER SYNDROME. Identifiers: Orphanet 26106, MedGen C1708349, MONDO:0007648, OMIM 137215.

Allele frequency attached by ClinVar (database versions not stated): gnomAD exomes below 0.00001; TOPMed below 0.00001; gnomAD 0.00001.
gnomAD v4.1: 5 of 1,613,842 alleles (0.00031%); highest among the groups gnomAD compares: African/African-American, 0.0027%; no homozygotes.

Submissions (4):

Labcorp Genetics (formerly Invitae), Labcorp
Classification: Likely benign for Hereditary diffuse gastric adenocarcinoma. Last evaluated: 2025-09-10. Review status: criteria provided, single submitter. Criteria: Invitae Variant Classification Sherloc (09022015). Collection method: clinical testing. Allele origin: germline.

Myriad Genetics, Inc.
Classification: Benign for Hereditary diffuse gastric adenocarcinoma. Last evaluated: 2024-09-23. Review status: criteria provided, single submitter. Criteria: Myriad Autosomal Dominant, Autosomal Recessive and X-Linked Classification Criteria (2023). Collection method: clinical testing. Allele origin: unknown.
Comment: This variant is considered benign. This variant is a silent/synonymous amino acid change and it is not expected to impact splicing.

CeGaT Center for Human Genetics Tuebingen
Classification: Likely benign. Last evaluated: 2023-11-01. Review status: criteria provided, single submitter. Criteria: CeGaT Center For Human Genetics Tuebingen Variant Classification Criteria Version 2. Collection method: clinical testing. Allele origin: germline. Affected: yes. Observed: 1 variant allele.
Comment: CDH1: BP4, BP7

Ambry Genetics
Classification: Likely benign for Hereditary cancer-predisposing syndrome. Last evaluated: 2020-12-23. Review status: criteria provided, single submitter. Criteria: Ambry Variant Classification Scheme 2023. Collection method: clinical testing. Allele origin: germline.

NM_004360.5(CDH1):c.2436T>C (p.Asp812=)

Gene: CDH1 (cadherin 1; plus strand). Cytogenetic location: 16q22.1.
Variant type: single nucleotide variant.
Coding change: c.2436T>C on transcript NM_004360.5 (MANE Select); coding-DNA position 2436, T replaced by C.
Protein change: p.Asp812=; no amino-acid change (aspartic acid 812 retained).
Molecular consequence: synonymous variant.
Genome position (GRCh38, 1-based): chr16:68,829,794, T>C. VCF-style: chr16-68829794-T-C. GRCh37 (hg19) VCF-style: chr16-68863697-T-C.
Other names: c.2436T>C (LRG_301t1); c.2253T>C, p.Asp751= (NM_001317184.2); c.888T>C, p.Asp296= (NM_001317185.2); c.471T>C, p.Asp157= (NM_001317186.2).
Identifiers: ClinVar variation 414063 (VCV000414063.38), dbSNP rs1052245560, ClinGen allele CA16615417.